The following is an entry in ClinVar:

NM_001365536.1(SCN9A):c.5918G>C (p.Arg1973Thr)

Genes: SCN1A-AS1 (SCN1A and SCN9A antisense RNA 1; plus strand), SCN9A (sodium voltage-gated channel alpha subunit 9; minus strand). Cytogenetic location: 2q24.3.
Variant type: single nucleotide variant.
Coding change: c.5918G>C on transcript NM_001365536.1 (MANE Select); coding-DNA position 5918, G replaced by C.
Protein change: p.Arg1973Thr; replaces arginine 1973 with threonine.
Molecular consequence: missense variant.
Genome position (GRCh38, 1-based): chr2:166,198,721, C>G on the plus strand (G>C on the coding strand, the complement: SCN9A is on the minus strand). VCF-style: chr2-166198721-C-G. GRCh37 (hg19) VCF-style: chr2-167055231-C-G.
Other names: c.5885G>C, p.Arg1962Thr (NM_002977.4); short protein forms R1973T, R1962T.
Identifiers: ClinVar variation 1514086 (VCV001514086.8), dbSNP rs771903438, ClinGen allele CA349051069.

ClinVar aggregate classification (germline): Uncertain significance (1 of 4 stars; one submission).

Conditions:
Neuropathy, hereditary sensory and autonomic, type 2A (HSAN2A). Also called: HSAN IIA; WNK1-Related HSAN2 (HSAN2A); NEUROPATHY, CONGENITAL SENSORY; NEUROPATHY, HEREDITARY SENSORY RADICULAR, AUTOSOMAL RECESSIVE; NEUROPATHY, HEREDITARY SENSORY, TYPE IIA; NEUROPATHY, PROGRESSIVE SENSORY, OF CHILDREN. Identifiers: Orphanet 970, MedGen C2752089, MONDO:0024309, OMIM 201300.
Generalized epilepsy with febrile seizures plus, type 7 (GEFSP7). Also called: GEFS+, TYPE 7. Identifiers: Orphanet 36387, MedGen C2751778, MONDO:0013470, OMIM 613863.

Allele frequency attached by ClinVar (database versions not stated): TOPMed below 0.00001.
gnomAD v4.1: 2 of 1,612,278 alleles (0.00012%); highest among the groups gnomAD compares: Non-Finnish European, 0.00017%; no homozygotes.

Submission:

Labcorp Genetics (formerly Invitae), Labcorp
Classification: Uncertain significance for Neuropathy, hereditary sensory and autonomic, type 2A; Generalized epilepsy with febrile seizures plus, type 7. Last evaluated: 2021-01-12. Review status: criteria provided, single submitter. Criteria: Invitae Variant Classification Sherloc (09022015). Collection method: clinical testing. Allele origin: germline.
Comment: In summary, the available evidence is currently insufficient to determine the role of this variant in disease. Therefore, it has been classified as a Variant of Uncertain Significance. Algorithms developed to predict the effect of missense changes on protein structure and function (SIFT, PolyPhen-2, Align-GVGD) all suggest that this variant is likely to be tolerated, but these predictions have not been confirmed by published functional studies and their clinical significance is uncertain. This variant has not been reported in the literature in individuals with SCN9A-related conditions. This variant is not present in population databases (ExAC no frequency). This sequence change replaces arginine with threonine at codon 1962 of the SCN9A protein (p.Arg1962Thr). The arginine residue is weakly conserved and there is a moderate physicochemical difference between arginine and threonine.